The following is an entry in ClinVar:

NM_024513.4(FYCO1):c.*1748C>T

Gene: FYCO1 (FYVE and coiled-coil domain autophagy adaptor 1; minus strand). Cytogenetic location: 3p21.31.
Variant type: single nucleotide variant.
Coding change: c.*1748C>T on transcript NM_024513.4 (MANE Select); 1748 bases downstream of the stop codon, C replaced by T.
Molecular consequence: 3 prime UTR variant.
Genome position (GRCh38, 1-based): chr3:45,920,017, G>A on the plus strand (C>T on the coding strand, the complement: FYCO1 is on the minus strand). VCF-style: chr3-45920017-G-A. GRCh37 (hg19) VCF-style: chr3-45961509-G-A.
Identifiers: ClinVar variation 345465 (VCV000345465.5), dbSNP rs149016664, ClinGen allele CA10616030.

ClinVar aggregate classification (germline): Likely benign (1 of 4 stars; one submission).

Conditions:
Cataract 18 (CATC2). Also called: CATARACT 18, AUTOSOMAL RECESSIVE. Identifiers: Orphanet 91492, Orphanet 98991, Orphanet 98992, Orphanet 98995, MedGen C1864908, MONDO:0012395, OMIM 610019.

Allele frequency attached by ClinVar (database versions not stated): 1000 Genomes Project 30x 0.00406; 1000 Genomes Project 0.00419; TOPMed 0.00443.

Submission:

Illumina Laboratory Services, Illumina
Classification: Likely benign for Cataract 18. Last evaluated: 2018-01-12. Review status: criteria provided, single submitter. Criteria: ICSL Variant Classification Criteria 13 December 2019. Collection method: clinical testing. Allele origin: germline.
Comment: This variant was observed in the ICSL laboratory as part of a predisposition screen in an ostensibly healthy population. It had not been previously curated by ICSL or reported in the Human Gene Mutation Database (HGMD: prior to June 1st, 2018), and was therefore a candidate for classification through an automated scoring system. Utilizing variant allele frequency, disease prevalence and penetrance estimates, and inheritance mode, an automated score was calculated to assess if this variant is too frequent to cause the disease. Based on the score and internal cut-off values, a variant classified as likely benign is not then subjected to further curation. The score for this variant resulted in a classification of likely benign for this disease.